The following is an entry in ClinVar:

NM_001042492.3(NF1):c.5852C>A (p.Pro1951Gln)

Gene: NF1 (neurofibromin 1; plus strand). Cytogenetic location: 17q11.2.
Variant type: single nucleotide variant.
Coding change: c.5852C>A on transcript NM_001042492.3 (MANE Select); coding-DNA position 5852, C replaced by A.
Protein change: p.Pro1951Gln; replaces proline 1951 with glutamine.
Molecular consequence: missense variant.
Genome position (GRCh38, 1-based): chr17:31,334,877, C>A. VCF-style: chr17-31334877-C-A. GRCh37 (hg19) VCF-style: chr17-29661895-C-A.
Other names: c.5789C>A, p.Pro1930Gln (NM_000267.4); short protein forms P1930Q, P1951Q.
Identifiers: ClinVar variation 1749630 (VCV001749630.3), dbSNP rs2151550343, ClinGen allele CA399010641.
Genomic context (GRCh38, chr17:31,334,877, plus strand): 5'-TAATAGTGTATTTTTTTCCAGGTATTGAATTGAAACACCTTTGTTTGGAATACATGACTC[C>A]ATGGCTGTCAAATCTAGTTCGTTTTTGCAAGCATAATGATGATGCCAAACGACAAAGAGT-3'
Protein context (NP_001035957.1, residues 1941-1961): LKHLCLEYMT[Pro1951Gln]WLSNLVRFCK

ClinVar aggregate classification (germline): Uncertain significance (1 of 4 stars; one submission).

Conditions:
Cardiovascular phenotype. Identifiers: MedGen CN230736.
Hereditary cancer-predisposing syndrome. Also called: Neoplastic Syndromes, Hereditary; Tumor predisposition; Hereditary Cancer Syndrome; Hereditary neoplastic syndrome. Identifiers: Orphanet 140162, MedGen C0027672, MeSH D009386, MONDO:0015356.

Submission:

Ambry Genetics
Classification: Uncertain significance for Cardiovascular phenotype; Hereditary cancer-predisposing syndrome. Last evaluated: 2026-05-01. Review status: criteria provided, single submitter. Criteria: Ambry Variant Classification Scheme 2023. Collection method: clinical testing. Allele origin: germline.
Comment: The p.P1930Q variant (also known as c.5789C>A), located in coding exon 39 of the NF1 gene, results from a C to A substitution at nucleotide position 5789. The proline at codon 1930 is replaced by glutamine, an amino acid with similar properties. This amino acid position is highly conserved in available vertebrate species. In addition, this alteration is predicted to be deleterious by in silico analysis. Based on the available evidence, the clinical significance of this variant remains unclear.